The following is an entry in ClinVar:

ClinVar aggregate classification (germline): Uncertain significance (1 of 4 stars; one submission).

Submission:

GeneDx
Classification: Uncertain significance. Last evaluated: 2022-12-20. Review status: criteria provided, single submitter. Criteria: GeneDx Variant Classification Process June 2021. Collection method: clinical testing. Allele origin: germline. Affected: yes.
Comment: Not observed at significant frequency in large population cohorts (gnomAD); In silico analysis supports that this missense variant has a deleterious effect on protein structure/function; Has not been previously published as pathogenic or benign to our knowledge

NM_182641.4(BPTF):c.5095A>C (p.Thr1699Pro)

Gene: BPTF (bromodomain PHD finger transcription factor; plus strand). Cytogenetic location: 17q24.2.
Variant type: single nucleotide variant.
Coding change: c.5095A>C on transcript NM_182641.4 (MANE Select); coding-DNA position 5095, A replaced by C.
Protein change: p.Thr1699Pro; replaces threonine 1699 with proline.
Molecular consequence: missense variant.
Genome position (GRCh38, 1-based): chr17:67,912,979, A>C. VCF-style: chr17-67912979-A-C. GRCh37 (hg19) VCF-style: chr17-65909095-A-C.
Other names: c.5473A>C, p.Thr1825Pro (NM_004459.7); short protein forms T1699P, T1825P.
Identifiers: ClinVar variation 2506655 (VCV002506655.1), dbSNP rs2062749928, ClinGen allele CA400731696.